The following is an entry in ClinVar:

ClinVar aggregate classification (germline): Pathogenic/Likely pathogenic. Review status: criteria provided, multiple submitters, no conflicts (2 of 4 stars). 3 submissions from 3 submitters: Pathogenic (2); Likely pathogenic (1). Last evaluated 2024-03-14.

Conditions:
Arrhythmogenic right ventricular dysplasia 8 (ARVD8). Also called: Arrhythmogenic Right Ventricular Dysplasia/Cardiomyopathy 8; ARRHYTHMOGENIC RIGHT VENTRICULAR DYSPLASIA, FAMILIAL, 8; ARRHYTHMOGENIC RIGHT VENTRICULAR CARDIOMYOPATHY 8. Identifiers: MedGen C1843896, MONDO:0011831, OMIM 607450.
Arrhythmogenic cardiomyopathy with wooly hair and keratoderma. Also called: PALMOPLANTAR KERATODERMA WITH LEFT VENTRICULAR CARDIOMYOPATHY AND WOOLLY HAIR; Dilated cardiomyopathy with woolly hair and keratoderma; Carvajal syndrome; Arrhythmogenic cardiomyopathy with woolly hair and keratoderma. Identifiers: Orphanet 65282, MedGen C1854063, MONDO:0011581, OMIM 605676.

Submissions (3):

GeneDx
Classification: Likely pathogenic. Last evaluated: 2024-03-14. Review status: criteria provided, single submitter. Criteria: GeneDx Variant Classification Process June 2021. Collection method: clinical testing. Allele origin: germline. Affected: yes.
Comment: Nonsense variant predicted to result in protein truncation or nonsense mediated decay in a gene for which loss of function is a known mechanism of disease; Not observed at significant frequency in large population cohorts (gnomAD); Has not been previously published as pathogenic in association with DSP-related disease or benign to our knowledge; This variant is associated with the following publications: (PMID: 31638835)

Institute of Human Genetics, University of Leipzig Medical Center
Classification: Pathogenic for Arrhythmogenic right ventricular dysplasia 8. Last evaluated: 2023-07-06. Review status: criteria provided, single submitter. Criteria: ACMG Guidelines, 2015. Collection method: clinical testing. Allele origin: unknown. Inheritance: Autosomal dominant inheritance. Affected: yes.
Comment: Criteria applied: PVS1,PS4_SUP,PM2_SUP

Labcorp Genetics (formerly Invitae), Labcorp
Classification: Pathogenic for Arrhythmogenic cardiomyopathy with wooly hair and keratoderma; Arrhythmogenic right ventricular dysplasia 8. Last evaluated: 2022-10-14. Review status: criteria provided, single submitter. Criteria: Invitae Variant Classification Sherloc (09022015). Collection method: clinical testing. Allele origin: germline.
Comment: This variant is not present in population databases (gnomAD no frequency). This sequence change creates a premature translational stop signal (p.Lys1527*) in the DSP gene. It is expected to result in an absent or disrupted protein product. Loss-of-function variants in DSP are known to be pathogenic (PMID: 20716751, 24503780, 25227139). This variant has not been reported in the literature in individuals affected with DSP-related conditions. For these reasons, this variant has been classified as Pathogenic.

Literature cited by the submitters: PubMed 20716751 (cited by Labcorp Genetics (formerly Invitae), Labcorp); PubMed 24503780 (cited by Labcorp Genetics (formerly Invitae), Labcorp); PubMed 25227139 (cited by Labcorp Genetics (formerly Invitae), Labcorp).

NM_004415.4(DSP):c.4579_4582del (p.Asn1526_Lys1527insTer)

Gene: DSP (desmoplakin; plus strand). Cytogenetic location: 6p24.3.
Variant type: Microsatellite.
Coding change: c.4579_4582del on transcript NM_004415.4 (MANE Select); coding-DNA positions 4579 to 4582, 4 bases deleted (AAAC; older notation c.4579_4582delAAAC).
Protein change: p.Asn1526_Lys1527insTer.
Molecular consequence: nonsense. On other transcripts: intron variant (2).
Genome position (GRCh38, 1-based): chr6:7,580,769-7,580,772, AAAC deleted; deleting any 4 consecutive bases within chr6:7,580,765-7,580,772 gives the same sequence; the c. name uses the placement nearest the transcript's 3' end. VCF-style (leftmost placement, unchanged base first): chr6-7580764-TAAAC-T. GRCh37 (hg19) VCF-style: chr6-7580997-TAAAC-T.
Other names: c.4050+529_4050+532del (NM_001319034.2); c.3582+997_3582+1000del (NM_001008844.3); c.4579_4582del (NM_004415.2).
Identifiers: ClinVar variation 1393398 (VCV001393398.9), dbSNP rs2113694449, ClinGen allele CA913188201.